The following is an entry in ClinVar:

NM_005732.4(RAD50):c.3160_3164+8del

Gene: RAD50 (RAD50 double strand break repair protein; plus strand). Cytogenetic location: 5q31.1.
Variant type: Deletion.
Coding change: c.3160_3164+8del on transcript NM_005732.4 (MANE Select); coding-DNA position 3160 through 8 bases into the intron after coding-DNA position 3164, 13 bases deleted (AAAAGGTATGCTT).
Molecular consequence: splice donor variant.
Genome position (GRCh38, 1-based): chr5:132,616,126-132,616,138, AAAAGGTATGCTT deleted. VCF-style (leftmost placement, unchanged base first): chr5-132616125-GAAAAGGTATGCTT-G. GRCh37 (hg19) VCF-style: chr5-131951817-GAAAAGGTATGCTT-G.
Identifiers: ClinVar variation 854746 (VCV000854746.10), dbSNP rs1751171297, ClinGen allele CA916082759.

ClinVar aggregate classification (germline): Likely pathogenic. Review status: criteria provided, multiple submitters, no conflicts (2 of 4 stars). 2 submissions from 2 submitters: Likely pathogenic (2). Last evaluated 2022-12-20.

Conditions:
Nijmegen breakage syndrome-like disorder (NBSLD). Also called: MICROCEPHALY AND SPONTANEOUS CHROMOSOME INSTABILITY WITHOUT IMMUNODEFICIENCY; NBS-LIKE DISORDER; RAD50 DEFICIENCY. Identifiers: Orphanet 240760, MedGen C2751318, MONDO:0013118, OMIM 613078.
Hereditary cancer-predisposing syndrome. Also called: Neoplastic Syndromes, Hereditary; Hereditary Cancer Syndrome; Tumor predisposition; Hereditary neoplastic syndrome. Identifiers: Orphanet 140162, MedGen C0027672, MeSH D009386, MONDO:0015356.

Submissions (2):

Baylor Genetics
Classification: Likely pathogenic for Nijmegen breakage syndrome-like disorder. Last evaluated: 2022-12-20. Review status: criteria provided, single submitter. Criteria: ACMG Guidelines, 2015. Collection method: clinical testing. Allele origin: unknown.

Labcorp Genetics (formerly Invitae), Labcorp
Classification: Likely pathogenic for Hereditary cancer-predisposing syndrome. Last evaluated: 2021-10-09. Review status: criteria provided, single submitter. Criteria: Invitae Variant Classification Sherloc (09022015). Collection method: clinical testing. Allele origin: germline.
Comment: This variant results in the deletion of part of exon 20 (c.3160_3164+8del) of the RAD50 gene. It is expected to disrupt RNA splicing. Variants that disrupt the donor or acceptor splice site typically lead to a loss of protein function (PMID: 16199547), and loss-of-function variants in RAD50 are known to be pathogenic (PMID: 19409520). In summary, the currently available evidence indicates that the variant is pathogenic, but additional data are needed to prove that conclusively. Therefore, this variant has been classified as Likely Pathogenic. Algorithms developed to predict the effect of sequence changes on RNA splicing suggest that this variant may disrupt the consensus splice site. ClinVar contains an entry for this variant (Variation ID: 854746). This variant has not been reported in the literature in individuals affected with RAD50-related conditions. This variant is not present in population databases (ExAC no frequency).

Literature cited by the submitters: PubMed 16199547 (cited by Labcorp Genetics (formerly Invitae), Labcorp); PubMed 19409520 (cited by Labcorp Genetics (formerly Invitae), Labcorp).